The following is an entry in ClinVar:

NC_000016.10:g.(?_88822569)_(88842849_?)del

Gene: GALNS (galactosamine (N-acetyl)-6-sulfatase; minus strand). Cytogenetic location: 16q24.3.
Variant type: Deletion.
Identifiers: ClinVar variation 831598 (VCV000831598.5).

ClinVar aggregate classification (germline): Pathogenic (1 of 4 stars; one submission).

Conditions:
Mucopolysaccharidosis, MPS-IV-A (MPS4A). Also called: MPS IVA; mucopolysaccharidosis type 4A; Mucopolysaccharidosis type IV A; Morquio syndrome A, mild; MORQUIO SYNDROME A; GALACTOSAMINE-6-SULFATASE DEFICIENCY. Identifiers: Orphanet 309297, Orphanet 582, MedGen C0086651, MONDO:0009659, OMIM 253000.

Submission:

Labcorp Genetics (formerly Invitae), Labcorp
Classification: Pathogenic for Mucopolysaccharidosis, MPS-IV-A. Last evaluated: 2022-11-24. Review status: criteria provided, single submitter. Criteria: Invitae Variant Classification Sherloc (09022015). Collection method: clinical testing. Allele origin: germline.
Comment: For these reasons, this variant has been classified as Pathogenic. This variant has not been reported in the literature in individuals affected with GALNS-related conditions. This variant is a gross deletion of the genomic region encompassing exon(s) 2-12 of the GALNS gene. This deletion is out-of-frame, and is expected to create a premature termination codon and result in an absent or disrupted protein product. Loss-of-function variants in GALNS are known to be pathogenic (PMID: 12442278).

Literature cited by the submitters: PubMed 12442278.